The following is an entry in ClinVar:

ClinVar aggregate classification (germline): Uncertain significance (1 of 4 stars; one submission).

Conditions:
Episodic kinesigenic dyskinesia (EKD). Also called: Paroxysmal kinesigenic dyskinesia. Identifiers: Orphanet 98809, MedGen C1868682, MONDO:0044202.

gnomAD v4.1: 2 of 1,613,472 alleles (0.00012%); highest among the groups gnomAD compares: Non-Finnish European, 0.00017%; no homozygotes.

Submission:

Labcorp Genetics (formerly Invitae), Labcorp
Classification: Uncertain significance for Episodic kinesigenic dyskinesia. Last evaluated: 2022-01-15. Review status: criteria provided, single submitter. Criteria: Invitae Variant Classification Sherloc (09022015). Collection method: clinical testing. Allele origin: germline.
Comment: This sequence change replaces alanine, which is neutral and non-polar, with serine, which is neutral and polar, at codon 183 of the PRRT2 protein (p.Ala183Ser). In summary, the available evidence is currently insufficient to determine the role of this variant in disease. Therefore, it has been classified as a Variant of Uncertain Significance. Algorithms developed to predict the effect of sequence changes on RNA splicing suggest that this variant may create or strengthen a splice site. Algorithms developed to predict the effect of missense changes on protein structure and function are either unavailable or do not agree on the potential impact of this missense change (SIFT: "Deleterious"; PolyPhen-2: "Possibly Damaging"; Align-GVGD: "Class C0"). This variant has not been reported in the literature in individuals affected with PRRT2-related conditions. This variant is not present in population databases (gnomAD no frequency).

NM_145239.3(PRRT2):c.547G>T (p.Ala183Ser)

Genes: MVP-DT (MVP divergent transcript; minus strand), PRRT2 (proline rich transmembrane protein 2; plus strand). Cytogenetic location: 16p11.2.
Variant type: single nucleotide variant.
Coding change: c.547G>T on transcript NM_145239.3 (MANE Select); coding-DNA position 547, G replaced by T.
Protein change: p.Ala183Ser; replaces alanine 183 with serine.
Molecular consequence: missense variant.
Genome position (GRCh38, 1-based): chr16:29,813,601, G>T. VCF-style: chr16-29813601-G-T. GRCh37 (hg19) VCF-style: chr16-29824922-G-T.
Other names: c.547G>T, p.Ala183Ser (NM_001256442.2, NM_001256443.2); short protein forms A183S.
Identifiers: ClinVar variation 1368154 (VCV001368154.8), dbSNP rs770599131, ClinGen allele CA395478933.
Genomic context (GRCh38, chr16:29,813,601, plus strand): 5'-CAGGAGGACCCCACCCCTGAGATTCTGTCTGAGAGTGTAGGGGAAAAGCAAGAGAATGGG[G>T]CAGTGGTGCCCCTGCAGGCTGGTGATGGGGAAGAGGGCCCAGCCCCTGAGCCTCACTCAC-3'
Protein context (NP_660282.2, residues 173-193): ESVGEKQENG[Ala183Ser]VVPLQAGDGE